The following is an entry in ClinVar:

NM_001291415.2(KDM6A):c.308A>G (p.Asn103Ser)

Gene: KDM6A (lysine demethylase 6A; plus strand). Cytogenetic location: Xp11.3.
Variant type: single nucleotide variant.
Coding change: c.308A>G on transcript NM_001291415.2 (MANE Select); coding-DNA position 308, A replaced by G.
Protein change: p.Asn103Ser; replaces asparagine 103 with serine.
Molecular consequence: missense variant. On other transcripts: 5 prime UTR variant (1), non-coding transcript variant (1).
Genome position (GRCh38, 1-based): chrX:44,961,366, A>G. VCF-style: chrX-44961366-A-G. GRCh37 (hg19) VCF-style: chrX-44820611-A-G.
Other names: c.308A>G, p.Asn103Ser (NM_001291416.2, NM_001291417.2, NM_001291418.2 and 2 more transcripts); c.-325A>G (NM_001291421.2); short protein forms N103S.
Identifiers: ClinVar variation 2188099 (VCV002188099.4), dbSNP rs749202669, ClinGen allele CA10392160.

ClinVar aggregate classification (germline): Uncertain significance (1 of 4 stars; one submission).

Conditions:
Kabuki syndrome 2 (KABUK2). Also called: KDM6A-Related Kabuki Syndrome. Identifiers: Orphanet 2322, MedGen C3275495, MONDO:0010465, OMIM 300867.

Allele frequency attached by ClinVar (database versions not stated): gnomAD exomes below 0.00001; ExAC 0.00001; TOPMed 0.00001; gnomAD 0.00002.
gnomAD v4.1: 7 of 1,178,903 alleles (0.00059%); highest among the groups gnomAD compares: Non-Finnish European, 0.00069%; no homozygotes.

Submission:

Labcorp Genetics (formerly Invitae), Labcorp
Classification: Uncertain significance for Kabuki syndrome 2. Last evaluated: 2022-06-02. Review status: criteria provided, single submitter. Criteria: Invitae Variant Classification Sherloc (09022015). Collection method: clinical testing. Allele origin: germline.
Comment: This sequence change replaces asparagine, which is neutral and polar, with serine, which is neutral and polar, at codon 103 of the KDM6A protein (p.Asn103Ser). This variant is present in population databases (rs749202669, gnomAD 0.001%), including at least one homozygous and/or hemizygous individual. This variant has not been reported in the literature in individuals affected with KDM6A-related conditions. Algorithms developed to predict the effect of missense changes on protein structure and function are either unavailable or do not agree on the potential impact of this missense change (SIFT: "Deleterious"; PolyPhen-2: "Probably Damaging"; Align-GVGD: "Class C0"). In summary, the available evidence is currently insufficient to determine the role of this variant in disease. Therefore, it has been classified as a Variant of Uncertain Significance.